The following is an entry in ClinVar:

ClinVar aggregate classification (germline): Uncertain significance (1 of 4 stars; one submission).

Submission:

GeneDx
Classification: Uncertain significance. Last evaluated: 2026-05-22. Review status: criteria provided, single submitter. Criteria: GeneDx Variant Classification Process June 2021. Collection method: clinical testing. Allele origin: germline.
Comment: Not observed at significant frequency in large population cohorts (gnomAD); Has not been previously published as pathogenic or benign to our knowledge; Frameshift variant predicted to result in abnormal protein length as the last 51 amino acid(s) are replaced with 14 different amino acid(s) with an unclear effect on protein function

NM_032188.3(KAT8):c.1249_1250del (p.Val417fs)

Gene: KAT8 (lysine acetyltransferase 8; plus strand). Cytogenetic location: 16p11.2.
Variant type: Microsatellite.
Coding change: c.1249_1250del on transcript NM_032188.3 (MANE Select); coding-DNA positions 1249 to 1250, 2 bases deleted (GT; older notation c.1249_1250delGT).
Protein change: p.Val417fs; shifts the reading frame from valine 417.
Molecular consequence: frameshift variant.
Genome position (GRCh38, 1-based): chr16:31,130,837-31,130,838, GT deleted; deleting any 2 consecutive bases within chr16:31,130,834-31,130,838 gives the same sequence; the c. name uses the placement nearest the transcript's 3' end. VCF-style (leftmost placement, unchanged base first): chr16-31130833-CTG-C. GRCh37 (hg19) VCF-style: chr16-31142154-CTG-C.
Other names: c.1249_1250del, p.Val417fs (NM_182958.4); short protein forms V417fs.
Identifiers: ClinVar variation 3364406 (VCV003364406.2).
Genomic context (GRCh38, chr16:31,130,833, plus strand): 5'-CATCATCAGTACCCTGCAATCCCTCAATATGGTCAAGTACTGGAAGGGCCAGCACGTGAT[CTG>C]TGTCACACCCAAGCTGGTGGAGGAGCACCTCAAAAGTGCCCAGTATAAGAAACCACCCAT-3'